The following is an entry in ClinVar:

ClinVar aggregate classification (germline): Uncertain significance. Review status: criteria provided, multiple submitters, no conflicts (2 of 4 stars). 2 submissions from 2 submitters: Uncertain significance (2). Last evaluated 2025-04-17.

Allele frequency attached by ClinVar (database versions not stated): ESP Exome Variant Server 0.00008.
gnomAD v4.1: 7 of 1,606,974 alleles (0.00044%); highest among the groups gnomAD compares: Non-Finnish European, 0.00051%; no homozygotes.

Submissions (2):

GeneDx
Classification: Uncertain significance. Last evaluated: 2025-04-17. Review status: criteria provided, single submitter. Criteria: GeneDx Variant Classification Process June 2021. Collection method: clinical testing. Allele origin: germline. Affected: yes.
Comment: Not observed at significant frequency in large population cohorts (gnomAD); In silico analysis supports that this missense variant has a deleterious effect on protein structure/function; Has not been previously published as pathogenic or benign to our knowledge

Labcorp Genetics (formerly Invitae), Labcorp
Classification: Uncertain significance. Last evaluated: 2022-05-13. Review status: criteria provided, single submitter. Criteria: Invitae Variant Classification Sherloc (09022015). Collection method: clinical testing. Allele origin: germline.
Comment: This sequence change replaces proline, which is neutral and non-polar, with serine, which is neutral and polar, at codon 62 of the PPA2 protein (p.Pro62Ser). This variant is present in population databases (rs368922285, gnomAD 0.007%). This variant has not been reported in the literature in individuals affected with PPA2-related conditions. ClinVar contains an entry for this variant (Variation ID: 1315556). Algorithms developed to predict the effect of missense changes on protein structure and function are either unavailable or do not agree on the potential impact of this missense change (SIFT: "Tolerated"; PolyPhen-2: "Probably Damaging"; Align-GVGD: "Class C0"). In summary, the available evidence is currently insufficient to determine the role of this variant in disease. Therefore, it has been classified as a Variant of Uncertain Significance.

NM_176869.3(PPA2):c.184C>T (p.Pro62Ser)

Gene: PPA2 (inorganic pyrophosphatase 2; minus strand). Cytogenetic location: 4q24.
Variant type: single nucleotide variant.
Coding change: c.184C>T on transcript NM_176869.3 (MANE Select); coding-DNA position 184, C replaced by T.
Protein change: p.Pro62Ser; replaces proline 62 with serine.
Molecular consequence: missense variant. On other transcripts: intron variant (1).
Genome position (GRCh38, 1-based): chr4:105,456,719, G>A on the plus strand (C>T on the coding strand, the complement: PPA2 is on the minus strand). VCF-style: chr4-105456719-G-A. GRCh37 (hg19) VCF-style: chr4-106377876-G-A.
Other names: c.184C>T, p.Pro62Ser (NM_006903.4, NM_176866.2); c.157+17175C>T (NM_176867.3); short protein forms P62S.
Identifiers: ClinVar variation 1315556 (VCV001315556.4), dbSNP rs368922285, ClinGen allele CA102798741.